The following is an entry in ClinVar:

NM_139281.3(WDR36):c.1717-38AT[8]

Gene: WDR36 (WD repeat domain 36; plus strand). Cytogenetic location: 5q22.1.
Variant type: Microsatellite.
Coding change: c.1717-38AT[8] on transcript NM_139281.3 (MANE Select); eight copies in a row of the 2-base unit AT starting at c.1717-38; the reference has nine copies in a row; one copy, 2 bases deleted.
Molecular consequence: intron variant.
Genome position (GRCh38, 1-based): chr5:111,113,052-111,113,053, AT deleted; deleting any 2 consecutive bases within chr5:111,113,036-111,113,053 gives the same sequence; the position shown is the placement nearest the transcript's 3' end. VCF-style (leftmost placement, unchanged base first): chr5-111113035-AAT-A. GRCh37 (hg19) VCF-style: chr5-110448734-AAT-A.
Identifiers: ClinVar variation 2505897 (VCV002505897.1), dbSNP rs376288151, ClinGen allele CA3365787.

ClinVar aggregate classification (germline): Likely benign (1 of 4 stars; one submission).

Submission:

GeneDx
Classification: Likely benign. Last evaluated: 2021-05-31. Review status: criteria provided, single submitter. Criteria: GeneDx Variant Classification Process June 2021. Collection method: clinical testing. Allele origin: germline. Affected: yes.
Comment: See Variant Classification Assertion Criteria.